The following is an entry in ClinVar:

ClinVar aggregate classification (germline): Uncertain significance (1 of 4 stars; one submission).

Conditions:
Gastrointestinal stromal tumor. Also called: Gastrointestinal stroma tumor; Gastrointestinal stromal tumor, somatic. Identifiers: Orphanet 44890, MedGen C0238198, MeSH D046152, MONDO:0011719, OMIM 606764, HP:0100723.

Submission:

Labcorp Genetics (formerly Invitae), Labcorp
Classification: Uncertain significance for Gastrointestinal stromal tumor. Last evaluated: 2022-03-12. Review status: criteria provided, single submitter. Criteria: Invitae Variant Classification Sherloc (09022015). Collection method: clinical testing. Allele origin: germline.
Comment: In summary, the available evidence is currently insufficient to determine the role of this variant in disease. Therefore, it has been classified as a Variant of Uncertain Significance. Algorithms developed to predict the effect of missense changes on protein structure and function (SIFT, PolyPhen-2, Align-GVGD) all suggest that this variant is likely to be tolerated. This variant has not been reported in the literature in individuals affected with KIT-related conditions. This variant is not present in population databases (gnomAD no frequency). This sequence change replaces glutamic acid, which is acidic and polar, with glycine, which is neutral and non-polar, at codon 88 of the KIT protein (p.Glu88Gly).

NM_000222.3(KIT):c.263A>G (p.Glu88Gly)

Gene: KIT (KIT proto-oncogene, receptor tyrosine kinase; plus strand). Cytogenetic location: 4q12.
Variant type: single nucleotide variant.
Coding change: c.263A>G on transcript NM_000222.3 (MANE Select); coding-DNA position 263, A replaced by G.
Protein change: p.Glu88Gly; replaces glutamic acid 88 with glycine.
Molecular consequence: missense variant.
Genome position (GRCh38, 1-based): chr4:54,695,707, A>G. VCF-style: chr4-54695707-A-G. GRCh37 (hg19) VCF-style: chr4-55561873-A-G.
Other names: c.263A>G, p.Glu88Gly (NM_001093772.2, NM_001385284.1, NM_001385285.1 and 4 more transcripts); short protein forms E88G.
Identifiers: ClinVar variation 2109920 (VCV002109920.4), dbSNP rs2109662420, ClinGen allele CA356897197.